The following is an entry in ClinVar:

NM_004817.4(TJP2):c.2985G>A (p.Pro995=)

Gene: TJP2 (tight junction protein 2; plus strand). Cytogenetic location: 9q21.11.
Variant type: single nucleotide variant.
Coding change: c.2985G>A on transcript NM_004817.4 (MANE Select); coding-DNA position 2985, G replaced by A.
Protein change: p.Pro995=; no amino-acid change (proline 995 retained).
Molecular consequence: synonymous variant. On other transcripts: intron variant (6).
Genome position (GRCh38, 1-based): chr9:69,249,479, G>A. VCF-style: chr9-69249479-G-A. GRCh37 (hg19) VCF-style: chr9-71864395-G-A.
Other names: c.3078G>A, p.Pro1026= (NM_001170416.2); c.2910G>A, p.Pro970= (NM_001369870.1); c.2916G>A, p.Pro972= (NM_001369871.1); c.2997G>A, p.Pro999= (NM_001369875.1); c.2811+1255G>A (NM_001170414.2); c.2880+1255G>A (NM_201629.3, NM_001369872.1); c.2668-1556G>A (NM_001369873.1); c.2892+1255G>A (NM_001170415.1, NM_001369874.1).
Identifiers: ClinVar variation 4985953 (VCV004985953.1).

ClinVar aggregate classification (germline): Likely benign (1 of 4 stars; one submission).

Conditions:
TJP2-related disorder. Also called: TJP2-related condition.

gnomAD v4.1: 34 of 1,603,662 alleles (0.0021%); highest among the groups gnomAD compares: South Asian, 0.013%; no homozygotes.

Submission:

PreventionGenetics, part of Exact Sciences
Classification: Likely benign for TJP2-related condition. Last evaluated: 2025-08-20. Review status: criteria provided, single submitter. Criteria: ACMG Guidelines, 2015. Collection method: clinical testing. Allele origin: germline.
Comment: This variant is classified as likely benign based on ACMG/AMP sequence variant interpretation guidelines (Richards et al. 2015 PMID: 25741868, with internal and published modifications).